The following is an entry in ClinVar:

ClinVar aggregate classification (germline): Uncertain significance (1 of 4 stars; one submission).

Conditions:
Dystonic disorder. Also called: Dystonia. Identifiers: MedGen C0013421, MONDO:0003441, HP:0001332.

gnomAD v4.1: 1 of 1,614,128 alleles (0.000062%); highest among the groups gnomAD compares: Non-Finnish European, 0.000085%; no homozygotes.

Submission:

Labcorp Genetics (formerly Invitae), Labcorp
Classification: Uncertain significance for Dystonic disorder. Last evaluated: 2024-06-09. Review status: criteria provided, single submitter. Criteria: Invitae Variant Classification Sherloc (09022015). Collection method: clinical testing. Allele origin: germline.
Comment: This sequence change replaces glutamic acid, which is acidic and polar, with lysine, which is basic and polar, at codon 761 of the CIZ1 protein (p.Glu761Lys). This variant is present in population databases (rs773524938, gnomAD 0.0009%). This variant has not been reported in the literature in individuals affected with CIZ1-related conditions. An algorithm developed to predict the effect of missense changes on protein structure and function (PolyPhen-2) suggests that this variant is likely to be tolerated. In summary, the available evidence is currently insufficient to determine the role of this variant in disease. Therefore, it has been classified as a Variant of Uncertain Significance.

NM_001131016.2(CIZ1):c.2281G>A (p.Glu761Lys)

Gene: CIZ1 (CDKN1A interacting zinc finger protein 1; minus strand). Cytogenetic location: 9q34.11.
Variant type: single nucleotide variant.
Coding change: c.2281G>A on transcript NM_001131016.2 (MANE Select); coding-DNA position 2281, G replaced by A.
Protein change: p.Glu761Lys; replaces glutamic acid 761 with lysine.
Molecular consequence: missense variant.
Genome position (GRCh38, 1-based): chr9:128,169,066, C>T on the plus strand (G>A on the coding strand, the complement: CIZ1 is on the minus strand). VCF-style: chr9-128169066-C-T. GRCh37 (hg19) VCF-style: chr9-130931345-C-T.
Other names: c.2113G>A, p.Glu705Lys (NM_001131015.2); c.2098G>A, p.Glu700Lys (NM_001131017.2); c.2041G>A, p.Glu681Lys (NM_001131018.2); c.2449G>A, p.Glu817Lys (NM_001257975.2); c.1978G>A, p.Glu660Lys (NM_001257976.2); c.2281G>A, p.Glu761Lys (NM_012127.3); short protein forms E705K, E817K, E681K, E660K, E700K, E761K.
Identifiers: ClinVar variation 3713220 (VCV003713220.2).